The following is an entry in ClinVar:

NM_021969.3(NR0B2):c.55G>A (p.Ala19Thr)

Genes: NUDC (nuclear distribution C, dynein complex regulator; plus strand), NR0B2 (nuclear receptor subfamily 0 group B member 2; minus strand). Cytogenetic location: 1p36.11.
Variant type: single nucleotide variant.
Coding change: c.55G>A on transcript NM_021969.3 (MANE Select); coding-DNA position 55, G replaced by A.
Protein change: p.Ala19Thr; replaces alanine 19 with threonine.
Molecular consequence: missense variant.
Genome position (GRCh38, 1-based): chr1:26,913,886, C>T on the plus strand (G>A on the coding strand, the complement: NR0B2 is on the minus strand). VCF-style: chr1-26913886-C-T. GRCh37 (hg19) VCF-style: chr1-27240377-C-T.
Other names: c.55G>A (NM_021969.2); short protein forms A19T.
Identifiers: ClinVar variation 2716321 (VCV002716321.5), dbSNP rs746657025, ClinGen allele CA709739.

ClinVar aggregate classification (germline): Uncertain significance. Review status: criteria provided, single submitter (1 of 4 stars). 2 submissions from 2 submitters: Uncertain significance (1). 1 of the submissions does not count toward it. Last evaluated 2024-06-25.

Conditions:
NR0B2-related disorder. Also called: NR0B2-related condition.

Allele frequency attached by ClinVar (database versions not stated): gnomAD 0.00002.
gnomAD v4.1: 15 of 1,487,148 alleles (0.001%); highest among the groups gnomAD compares: Admixed American, 0.016%; no homozygotes.

Submissions (2):

Labcorp Genetics (formerly Invitae), Labcorp
Classification: Uncertain significance. Last evaluated: 2024-06-25. Review status: criteria provided, single submitter. Criteria: Invitae Variant Classification Sherloc (09022015). Collection method: clinical testing. Allele origin: germline.
Comment: This sequence change replaces alanine, which is neutral and non-polar, with threonine, which is neutral and polar, at codon 19 of the NR0B2 protein (p.Ala19Thr). This variant is present in population databases (rs746657025, gnomAD 0.02%). This variant has not been reported in the literature in individuals affected with NR0B2-related conditions. Algorithms developed to predict the effect of missense changes on protein structure and function output the following: SIFT: "Not Available"; PolyPhen-2: "Benign"; Align-GVGD: "Not Available". The threonine amino acid residue is found in multiple mammalian species, which suggests that this missense change does not adversely affect protein function. In summary, the available evidence is currently insufficient to determine the role of this variant in disease. Therefore, it has been classified as a Variant of Uncertain Significance.

PreventionGenetics, part of Exact Sciences
Classification: Uncertain significance for NR0B2-related condition. Last evaluated: 2024-06-12. Review status: no assertion criteria provided. Collection method: clinical testing. Allele origin: germline. Not counted in ClinVar's aggregate classification.
Comment: The NR0B2 c.55G>A variant is predicted to result in the amino acid substitution p.Ala19Thr. To our knowledge, this variant has not been reported in the literature. This variant is reported in 0.015% of alleles in individuals of Latino descent in gnomAD. At this time, the clinical significance of this variant is uncertain due to the absence of conclusive functional and genetic evidence.